The following is an entry in ClinVar:

ClinVar aggregate classification (germline): Uncertain significance (1 of 4 stars; one submission).

Allele frequency attached by ClinVar (database versions not stated): ExAC 0.00001; gnomAD 0.00001; gnomAD exomes 0.00001; TOPMed 0.00001.
gnomAD v4.1: 5 of 1,613,636 alleles (0.00031%); highest among the groups gnomAD compares: Admixed American, 0.0083%; no homozygotes.

Submission:

Labcorp Genetics (formerly Invitae), Labcorp
Classification: Uncertain significance. Last evaluated: 2022-05-24. Review status: criteria provided, single submitter. Criteria: Invitae Variant Classification Sherloc (09022015). Collection method: clinical testing. Allele origin: germline.
Comment: In summary, the available evidence is currently insufficient to determine the role of this variant in disease. Therefore, it has been classified as a Variant of Uncertain Significance. Algorithms developed to predict the effect of missense changes on protein structure and function are either unavailable or do not agree on the potential impact of this missense change (SIFT: "Deleterious"; PolyPhen-2: "Probably Damaging"; Align-GVGD: "Class C0"). This variant has not been reported in the literature in individuals affected with ZMIZ1-related conditions. This variant is present in population databases (rs746903918, gnomAD 0.01%). This sequence change replaces serine, which is neutral and polar, with asparagine, which is neutral and polar, at codon 52 of the ZMIZ1 protein (p.Ser52Asn).

NM_020338.4(ZMIZ1):c.155G>A (p.Ser52Asn)

Gene: ZMIZ1 (zinc finger MIZ-type containing 1; plus strand). Cytogenetic location: 10q22.3.
Variant type: single nucleotide variant.
Coding change: c.155G>A on transcript NM_020338.4 (MANE Select); coding-DNA position 155, G replaced by A.
Protein change: p.Ser52Asn; replaces serine 52 with asparagine.
Molecular consequence: missense variant.
Genome position (GRCh38, 1-based): chr10:79,208,430, G>A. VCF-style: chr10-79208430-G-A. GRCh37 (hg19) VCF-style: chr10-80968187-G-A.
Other names: short protein forms S52N.
Identifiers: ClinVar variation 2177299 (VCV002177299.4), dbSNP rs746903918, ClinGen allele CA5572204.